The following is an entry in ClinVar:

NM_007194.4(CHEK2):c.323G>A (p.Cys108Tyr)

Gene: CHEK2 (checkpoint kinase 2; minus strand). Cytogenetic location: 22q12.1.
Variant type: single nucleotide variant.
Coding change: c.323G>A on transcript NM_007194.4 (MANE Select); coding-DNA position 323, G replaced by A.
Protein change: p.Cys108Tyr; replaces cysteine 108 with tyrosine.
Molecular consequence: missense variant.
Genome position (GRCh38, 1-based): chr22:28,725,364, C>T on the plus strand (G>A on the coding strand, the complement: CHEK2 is on the minus strand). VCF-style: chr22-28725364-C-T. GRCh37 (hg19) VCF-style: chr22-29121352-C-T.
Other names: c.452G>A, p.Cys151Tyr (NM_001005735.3); c.-455G>A (NM_001257387.3); c.323G>A, p.Cys108Tyr (NM_001349956.3, NM_145862.3); short protein forms C108Y, C151Y.
Identifiers: ClinVar variation 479535 (VCV000479535.17), dbSNP rs1555927408, ClinGen allele CA411108293.

ClinVar aggregate classification (germline): Uncertain significance. Review status: criteria provided, multiple submitters, no conflicts (2 of 4 stars). 3 submissions from 3 submitters: Uncertain significance (3). Last evaluated 2025-08-09.

Conditions:
Familial cancer of breast. Also called: BREAST CANCER, FAMILIAL; Hereditary breast cancer; hereditary breast carcinoma. Identifiers: Orphanet 227535, MedGen C0346153, MONDO:0016419, OMIM 114480. Disease mechanism: loss of function.
Hereditary cancer-predisposing syndrome. Also called: Hereditary Cancer Syndrome; Neoplastic Syndromes, Hereditary; Tumor predisposition; Hereditary neoplastic syndrome. Identifiers: Orphanet 140162, MedGen C0027672, MeSH D009386, MONDO:0015356.

Allele frequency attached by ClinVar (database versions not stated): gnomAD exomes below 0.00001.
gnomAD v4.1: 1 of 1,614,078 alleles (0.000062%); highest among the groups gnomAD compares: Non-Finnish European, 0.000085%; no homozygotes.

Submissions (3):

Labcorp Genetics (formerly Invitae), Labcorp
Classification: Uncertain significance for Familial cancer of breast. Last evaluated: 2025-08-09. Review status: criteria provided, single submitter. Criteria: Invitae Variant Classification Sherloc (09022015). Collection method: clinical testing. Allele origin: germline.
Comment: This sequence change replaces cysteine, which is neutral and slightly polar, with tyrosine, which is neutral and polar, at codon 108 of the CHEK2 protein (p.Cys108Tyr). This variant is not present in population databases (gnomAD no frequency). This variant has not been reported in the literature in individuals affected with CHEK2-related conditions. ClinVar contains an entry for this variant (Variation ID: 479535). An algorithm developed to predict the effect of missense changes on protein structure and function (PolyPhen-2) suggests that this variant is likely to be disruptive. In summary, the available evidence is currently insufficient to determine the role of this variant in disease. Therefore, it has been classified as a Variant of Uncertain Significance.

Ambry Genetics
Classification: Uncertain significance for Hereditary cancer-predisposing syndrome. Last evaluated: 2024-04-15. Review status: criteria provided, single submitter. Criteria: Ambry Variant Classification Scheme 2023. Collection method: clinical testing. Allele origin: germline.
Comment: The p.C108Y variant (also known as c.323G>A), located in coding exon 2 of the CHEK2 gene, results from a G to A substitution at nucleotide position 323. The cysteine at codon 108 is replaced by tyrosine, an amino acid with highly dissimilar properties. This alteration was reported as functionally impaired in a study assessing CHEK2-complementation through quantification of KAP1 phosphorylation and CHK2 autophosphorylation in human RPE1-CHEK2-knockout cells (Stolarova L et al. Clin Cancer Res, 2023 Aug;29:3037-3050). This amino acid position is highly conserved in available vertebrate species. In addition, this alteration is predicted to be deleterious by in silico analysis. Based on the available evidence, the clinical significance of this variant remains unclear.

Sema4
Classification: Uncertain significance for Hereditary cancer-predisposing syndrome. Last evaluated: 2021-10-12. Review status: criteria provided, single submitter. Criteria: Sema4 Curation Guidelines. Collection method: curation. Allele origin: germline.
Comment: The CHEK2 c.323G>A (p.C108Y) variant has not been reported in the literature to our knowledge. It was not observed in the large and broad cohorts of the Genome Aggregation Database, but has been reported in ClinVar (Variation ID 479535). In silico tools suggest the impact of the variant on protein function is deleterious, though these predictions have not been confirmed by functional studies. The evidence is insufficient to meet ACMG/AMP criteria for classifying the variant as benign or pathogenic. Thus, the clinical significance of this variant is currently uncertain.

Literature cited by the submitters: PubMed 37449874 (cited by Ambry Genetics).